The following is an entry in ClinVar:

ClinVar aggregate classification (germline): Uncertain significance (1 of 4 stars; one submission).

Allele frequency attached by ClinVar (database versions not stated): ExAC 0.00002.
gnomAD v4.1: 19 of 1,613,878 alleles (0.0012%); highest among the groups gnomAD compares: Middle Eastern, 0.033%; 1 homozygote.

Submission:

Labcorp Genetics (formerly Invitae), Labcorp
Classification: Uncertain significance. Last evaluated: 2022-08-07. Review status: criteria provided, single submitter. Criteria: Invitae Variant Classification Sherloc (09022015). Collection method: clinical testing. Allele origin: germline.
Comment: In summary, the available evidence is currently insufficient to determine the role of this variant in disease. Therefore, it has been classified as a Variant of Uncertain Significance. Algorithms developed to predict the effect of missense changes on protein structure and function are either unavailable or do not agree on the potential impact of this missense change (SIFT: "Tolerated"; PolyPhen-2: "Not Available"; Align-GVGD: "Class C0"). This variant has not been reported in the literature in individuals affected with ASXL2-related conditions. This variant is present in population databases (rs753079173, gnomAD 0.01%). This sequence change replaces aspartic acid, which is acidic and polar, with asparagine, which is neutral and polar, at codon 1148 of the ASXL2 protein (p.Asp1148Asn).

NM_018263.6(ASXL2):c.3442G>A (p.Asp1148Asn)

Gene: ASXL2 (ASXL transcriptional regulator 2; minus strand). Cytogenetic location: 2p23.3.
Variant type: single nucleotide variant.
Coding change: c.3442G>A on transcript NM_018263.6 (MANE Select); coding-DNA position 3442, G replaced by A.
Protein change: p.Asp1148Asn; replaces aspartic acid 1148 with asparagine.
Molecular consequence: missense variant.
Genome position (GRCh38, 1-based): chr2:25,742,895, C>T on the plus strand (G>A on the coding strand, the complement: ASXL2 is on the minus strand). VCF-style: chr2-25742895-C-T. GRCh37 (hg19) VCF-style: chr2-25965764-C-T.
Other names: c.3268G>A, p.Asp1090Asn (NM_001369346.1); c.2662G>A, p.Asp888Asn (NM_001369347.1); short protein forms D888N, D1090N, D1148N.
Identifiers: ClinVar variation 2144343 (VCV002144343.4), dbSNP rs753079173, ClinGen allele CA1557472.